The following is an entry in ClinVar:

NM_004655.4(AXIN2):c.2218C>G (p.Pro740Ala)

Gene: AXIN2 (axin 2; minus strand). Cytogenetic location: 17q24.1.
Variant type: single nucleotide variant.
Coding change: c.2218C>G on transcript NM_004655.4 (MANE Select); coding-DNA position 2218, C replaced by G.
Protein change: p.Pro740Ala; replaces proline 740 with alanine.
Molecular consequence: missense variant.
Genome position (GRCh38, 1-based): chr17:65,535,645, G>C on the plus strand (C>G on the coding strand, the complement: AXIN2 is on the minus strand). VCF-style: chr17-65535645-G-C. GRCh37 (hg19) VCF-style: chr17-63531763-G-C.
Other names: c.2023C>G, p.Pro675Ala (NM_001363813.1); short protein forms P675A, P740A.
Identifiers: ClinVar variation 851271 (VCV000851271.10), dbSNP rs370503213, ClinGen allele CA400675731.

ClinVar aggregate classification (germline): Uncertain significance. Review status: criteria provided, multiple submitters, no conflicts (2 of 4 stars). 2 submissions from 2 submitters: Uncertain significance (2). Last evaluated 2026-07-06.

Conditions:
Oligodontia-cancer predisposition syndrome. Also called: TOOTH AGENESIS-COLORECTAL CANCER SYNDROME. Identifiers: Orphanet 300576, MedGen C1837750, MONDO:0012075, OMIM 608615. Disease mechanism: loss of function.
Hereditary cancer-predisposing syndrome. Also called: Tumor predisposition; Hereditary neoplastic syndrome; Neoplastic Syndromes, Hereditary; Hereditary Cancer Syndrome. Identifiers: Orphanet 140162, MedGen C0027672, MeSH D009386, MONDO:0015356.

Submissions (2):

Ambry Genetics
Classification: Uncertain significance for Hereditary cancer-predisposing syndrome. Last evaluated: 2026-07-06. Review status: criteria provided, single submitter. Criteria: Ambry Variant Classification Scheme 2023. Collection method: clinical testing. Allele origin: germline.
Comment: The p.P740A variant (also known as c.2218C>G), located in coding exon 8 of the AXIN2 gene, results from a C to G substitution at nucleotide position 2218. The proline at codon 740 is replaced by alanine, an amino acid with highly similar properties. This amino acid position is conserved. In addition, this alteration is predicted to be tolerated by in silico analysis. Based on the available evidence, the clinical significance of this variant remains unclear.

Labcorp Genetics (formerly Invitae), Labcorp
Classification: Uncertain significance for Oligodontia-cancer predisposition syndrome. Last evaluated: 2026-01-29. Review status: criteria provided, single submitter. Criteria: Invitae Variant Classification Sherloc (09022015). Collection method: clinical testing. Allele origin: germline.
Comment: This sequence change replaces proline, which is neutral and non-polar, with alanine, which is neutral and non-polar, at codon 740 of the AXIN2 protein (p.Pro740Ala). This variant is not present in population databases (gnomAD no frequency). This variant has not been reported in the literature in individuals affected with AXIN2-related conditions. ClinVar contains an entry for this variant (Variation ID: 851271). An algorithm developed to predict the effect of missense changes on protein structure and function (PolyPhen-2) suggests that this variant is likely to be tolerated. In summary, the available evidence is currently insufficient to determine the role of this variant in disease. Therefore, it has been classified as a Variant of Uncertain Significance.